The following is an entry in ClinVar:

ClinVar aggregate classification (germline): Conflicting classifications of pathogenicity. Review status: criteria provided, conflicting classifications (1 of 4 stars). 2 submissions from 2 submitters: Uncertain significance (1); Likely benign (1). Last evaluated 2025-04-03.

Allele frequency attached by ClinVar (database versions not stated): TOPMed below 0.00001; gnomAD exomes 0.00001.
gnomAD v4.1: 7 of 1,599,216 alleles (0.00044%); highest among the groups gnomAD compares: Non-Finnish European, 0.0006%; no homozygotes.

Submissions (2):

Women's Health and Genetics/Laboratory Corporation of America, LabCorp
Classification: Uncertain significance. Last evaluated: 2025-04-03. Review status: criteria provided, single submitter. Criteria: LabCorp Variant Classification Summary - May 2015. Collection method: clinical testing. Allele origin: germline.
Comment: Variant summary: ABCC8 c.2223-16A>G alters a non-conserved nucleotide located at a position not widely known to affect splicing. Several computational tools predict a significant impact on normal splicing: Three predict the variant strengthens a cryptic 3' acceptor site. One predict the variant no significant impact on splicing. However, these predictions have yet to be confirmed by functional studies. The variant allele was found at a frequency of 4.4e-06 in 1599216 control chromosomes. The available data on variant occurrences in the general population are insufficient to allow any conclusion about variant significance. To our knowledge, no occurrence of c.2223-16A>G in individuals affected with Familial Hyperinsulinism and no experimental evidence demonstrating its impact on protein function have been reported. ClinVar contains an entry for this variant (Variation ID: 2874310). Based on the evidence outlined above, the variant was classified as uncertain significance.

Labcorp Genetics (formerly Invitae), Labcorp
Classification: Likely benign. Last evaluated: 2023-11-30. Review status: criteria provided, single submitter. Criteria: Invitae Variant Classification Sherloc (09022015). Collection method: clinical testing. Allele origin: germline.

NM_000352.6(ABCC8):c.2223-16A>G

Gene: ABCC8 (ATP binding cassette subfamily C member 8; minus strand). Cytogenetic location: 11p15.1.
Variant type: single nucleotide variant.
Coding change: c.2223-16A>G on transcript NM_000352.6 (MANE Select); 16 bases into the intron before coding-DNA position 2223, A replaced by G.
Molecular consequence: intron variant.
Genome position (GRCh38, 1-based): chr11:17,416,978, T>C on the plus strand (A>G on the coding strand, the complement: ABCC8 is on the minus strand). VCF-style: chr11-17416978-T-C. GRCh37 (hg19) VCF-style: chr11-17438525-T-C.
Other names: c.2220-16A>G (NM_001351297.2); c.2220-13A>G (NM_001351296.2); c.2289-16A>G (NM_001351295.2); c.2223-13A>G (NM_001287174.3).
Identifiers: ClinVar variation 2874310 (VCV002874310.5), dbSNP rs1955110082, ClinGen allele CA1955133304.